The following is an entry in ClinVar:

NM_001378454.1(ALMS1):c.10603A>G (p.Met3535Val)

Gene: ALMS1 (ALMS1 centrosome and basal body associated protein; plus strand). Cytogenetic location: 2p13.1.
Variant type: single nucleotide variant.
Coding change: c.10603A>G on transcript NM_001378454.1 (MANE Select); coding-DNA position 10603, A replaced by G.
Protein change: p.Met3535Val; replaces methionine 3535 with valine.
Molecular consequence: missense variant.
Genome position (GRCh38, 1-based): chr2:73,572,480, A>G. VCF-style: chr2-73572480-A-G. GRCh37 (hg19) VCF-style: chr2-73799607-A-G.
Other names: c.10606A>G, p.Met3536Val (NM_015120.4); short protein forms M3535V, M3536V.
Identifiers: ClinVar variation 1435167 (VCV001435167.4), dbSNP rs769907792, ClinGen allele CA347284071.

ClinVar aggregate classification (germline): Uncertain significance (1 of 4 stars; one submission).

Conditions:
Alstrom syndrome (ALMS). Identifiers: Orphanet 64, MedGen C0268425, MONDO:0008763, OMIM 203800.

gnomAD v4.1: 5 of 1,613,984 alleles (0.00031%); highest among the groups gnomAD compares: South Asian, 0.0011%; no homozygotes.

Submission:

Labcorp Genetics (formerly Invitae), Labcorp
Classification: Uncertain significance for Alstrom syndrome. Last evaluated: 2022-05-24. Review status: criteria provided, single submitter. Criteria: Invitae Variant Classification Sherloc (09022015). Collection method: clinical testing. Allele origin: germline.
Comment: This sequence change replaces methionine, which is neutral and non-polar, with valine, which is neutral and non-polar, at codon 3536 of the ALMS1 protein (p.Met3536Val). This variant is present in population databases (no rsID available, gnomAD 0.003%). This variant has not been reported in the literature in individuals affected with ALMS1-related conditions. Experimental studies and prediction algorithms are not available or were not evaluated, and the functional significance of this variant is currently unknown. In summary, the available evidence is currently insufficient to determine the role of this variant in disease. Therefore, it has been classified as a Variant of Uncertain Significance.